The following is an entry in ClinVar:

NM_000368.5(TSC1):c.1678G>A (p.Gly560Ser)

Gene: TSC1 (TSC complex subunit 1; minus strand). Cytogenetic location: 9q34.13.
Variant type: single nucleotide variant.
Coding change: c.1678G>A on transcript NM_000368.5 (MANE Select); coding-DNA position 1678, G replaced by A.
Protein change: p.Gly560Ser; replaces glycine 560 with serine.
Molecular consequence: missense variant.
Genome position (GRCh38, 1-based): chr9:132,905,900, C>T on the plus strand (G>A on the coding strand, the complement: TSC1 is on the minus strand). VCF-style: chr9-132905900-C-T. GRCh37 (hg19) VCF-style: chr9-135781287-C-T.
Other names: c.1675G>A, p.Gly559Ser (NM_001162426.2); c.1525G>A, p.Gly509Ser (NM_001162427.2); c.1315G>A, p.Gly439Ser (NM_001362177.2); short protein forms G560S, G439S, G559S, G509S.
Identifiers: ClinVar variation 480855 (VCV000480855.23), dbSNP rs746304922, ClinGen allele CA029360.

ClinVar aggregate classification (germline): Conflicting classifications of pathogenicity. Review status: criteria provided, conflicting classifications (1 of 4 stars). 7 submissions from 7 submitters: Uncertain significance (3); Benign (1); Likely benign (3). Last evaluated 2024-12-27.

Conditions:
Tuberous sclerosis syndrome (TSC). Also called: Tuberous Sclerosis Complex; Tuberous sclerosis. Identifiers: Orphanet 805, MedGen C0041341, MONDO:0001734.
Hereditary cancer-predisposing syndrome. Also called: Hereditary neoplastic syndrome; Neoplastic Syndromes, Hereditary; Tumor predisposition; Hereditary Cancer Syndrome. Identifiers: Orphanet 140162, MedGen C0027672, MeSH D009386, MONDO:0015356.
Tuberous sclerosis 1 (TSC1). Identifiers: Orphanet 805, MedGen C1854465, MONDO:0008612, OMIM 191100.

Allele frequency attached by ClinVar (database versions not stated): ExAC 0.00001; gnomAD exomes 0.00001; TOPMed 0.00001; gnomAD 0.00002.
gnomAD v4.1: 10 of 1,612,036 alleles (0.00062%); highest among the groups gnomAD compares: Admixed American, 0.0067%; no homozygotes.

Submissions (7):

Labcorp Genetics (formerly Invitae), Labcorp
Classification: Benign for Tuberous sclerosis 1. Last evaluated: 2024-12-27. Review status: criteria provided, single submitter. Criteria: Invitae Variant Classification Sherloc (09022015). Collection method: clinical testing. Allele origin: germline.

Quest Diagnostics Nichols Institute San Juan Capistrano
Classification: Uncertain significance. Last evaluated: 2024-08-22. Review status: criteria provided, single submitter. Criteria: Quest Diagnostics criteria. Collection method: clinical testing. Allele origin: unknown.
Comment: The TSC1 c.1678G>A (p.Gly560Ser) variant has been reported in the published literature in an individual with Autism Spectrum Disorder (PMID: 23514105 (2013)). The frequency of this variant in the general population, 0.000085 (3/35384 chromosomes in Admixed American subpopulation (Genome Aggregation Database)), is higher than would generally be expected for pathogenic variants in this gene. Analysis of this variant using bioinformatics tools for the prediction of the effect of amino acid changes on protein structure and function yielded conflicting predictions that this variant is benign or damaging. Based on the available information, we are unable to determine the clinical significance of this variant.

Ambry Genetics
Classification: Likely benign for Hereditary cancer-predisposing syndrome. Last evaluated: 2023-04-28. Review status: criteria provided, single submitter. Criteria: Ambry Variant Classification Scheme 2023. Collection method: clinical testing. Allele origin: germline.

Color Diagnostics, LLC DBA Color Health
Classification: Likely benign for Tuberous sclerosis syndrome. Last evaluated: 2022-08-16. Review status: criteria provided, single submitter. Criteria: ACMG Guidelines, 2015. Collection method: clinical testing. Allele origin: germline.

Sema4
Classification: Uncertain significance for Hereditary cancer-predisposing syndrome. Last evaluated: 2022-01-13. Review status: criteria provided, single submitter. Criteria: Sema4 Curation Guidelines. Collection method: curation. Allele origin: germline.
Comment: To the best of our knowledge, the TSC1 c.1678G>A (p.G560S) variant has not been reported in individuals with TSC1-related disease. It was observed in 5/282256 chromosomes among all subpopulations in the large and broad cohorts of the Genome Aggregation Database (PMID: 32461654). The variant has been reported in ClinVar (Variation ID 480855). Functional studies have not been performed, and in silico predictions of the variant's effect on protein function are inconclusive. The evidence is insufficient to meet ACMG/AMP criteria for classifying the variant as benign or pathogenic. Thus, the clinical significance of this variant is currently uncertain.

Genome-Nilou Lab
Classification: Likely benign for Tuberous sclerosis 1. Last evaluated: 2021-11-07. Review status: criteria provided, single submitter. Criteria: ACMG Guidelines, 2015. Collection method: clinical testing. Allele origin: germline. Affected: no.

Revvity Omics, Revvity
Classification: Uncertain significance. Last evaluated: 2020-06-27. Review status: criteria provided, single submitter. Criteria: ACMG Guidelines, 2015. Collection method: clinical testing. Allele origin: germline.

Literature cited by the submitters: PubMed 23514105 (cited by Quest Diagnostics Nichols Institute San Juan Capistrano and Ambry Genetics); PubMed 21624971 (cited by Ambry Genetics).